The following is an entry in ClinVar:

NM_004183.4(BEST1):c.638A>T (p.Glu213Val)

Gene: BEST1 (bestrophin 1; plus strand). Cytogenetic location: 11q12.3.
Variant type: single nucleotide variant.
Coding change: c.638A>T on transcript NM_004183.4 (MANE Select); coding-DNA position 638, A replaced by T.
Protein change: p.Glu213Val; replaces glutamic acid 213 with valine.
Molecular consequence: missense variant. On other transcripts: 5 prime UTR variant (1), non-coding transcript variant (1).
Genome position (GRCh38, 1-based): chr11:61,957,388, A>T. VCF-style: chr11-61957388-A-T. GRCh37 (hg19) VCF-style: chr11-61724860-A-T.
Other names: c.458A>T, p.Glu153Val (NM_001139443.3, NM_001300786.2, NM_001300787.2 and 3 more transcripts); c.320A>T, p.Glu107Val (NM_001363591.3); c.638A>T, p.Glu213Val (NM_001363592.2, NM_001440571.1, NM_001440572.1 and 1 more transcripts); c.-538A>T (NM_001363593.3); short protein forms E153V, E213V, E107V.
Identifiers: ClinVar variation 4734024 (VCV004734024.1).

ClinVar aggregate classification (germline): Uncertain significance (1 of 4 stars; one submission).

Submission:

Labcorp Genetics (formerly Invitae), Labcorp
Classification: Uncertain significance. Last evaluated: 2025-12-23. Review status: criteria provided, single submitter. Criteria: Invitae Variant Classification Sherloc (09022015). Collection method: clinical testing. Allele origin: germline.
Comment: This sequence change replaces glutamic acid, which is acidic and polar, with valine, which is neutral and non-polar, at codon 213 of the BEST1 protein (p.Glu213Val). This variant is not present in population databases (gnomAD no frequency). This variant has not been reported in the literature in individuals affected with BEST1-related conditions. An algorithm developed to predict the effect of missense changes on protein structure and function (PolyPhen-2) suggests that this variant is likely to be disruptive. This variant disrupts the p.Glu213 amino acid residue in BEST1. Other variant(s) that disrupt this residue have been determined to be pathogenic (PMID: 22162627, 24560797, 33546218, 35119454). This suggests that this residue is clinically significant, and that variants that disrupt this residue are likely to be disease-causing. In summary, the available evidence is currently insufficient to determine the role of this variant in disease. Therefore, it has been classified as a Variant of Uncertain Significance.

Literature cited by the submitters: PubMed 22162627; PubMed 24560797; PubMed 33546218; PubMed 35119454.